The following is an entry in ClinVar:

ClinVar aggregate classification (germline): Uncertain significance. Review status: criteria provided, multiple submitters, no conflicts (2 of 4 stars). 3 submissions from 3 submitters: Uncertain significance (3). Last evaluated 2025-10-28.

Conditions:
Inborn genetic diseases. Identifiers: MedGen C0950123, MeSH D030342.

Allele frequency attached by ClinVar (database versions not stated): gnomAD 0.00001; ExAC 0.00002; ESP Exome Variant Server 0.00008; 1000 Genomes Project 30x 0.00016; 1000 Genomes Project 0.00020.

Submissions (3):

Mayo Clinic Laboratories, Mayo Clinic
Classification: Uncertain significance. Last evaluated: 2025-10-28. Review status: criteria provided, single submitter. Criteria: ACMG Guidelines, 2015. Collection method: clinical testing. Allele origin: germline. Observed: 1 variant allele.
Comment: BP4_moderate, PM2_supporting

Labcorp Genetics (formerly Invitae), Labcorp
Classification: Uncertain significance. Last evaluated: 2023-11-22. Review status: criteria provided, single submitter. Criteria: Invitae Variant Classification Sherloc (09022015). Collection method: clinical testing. Allele origin: germline.
Comment: This sequence change replaces arginine, which is basic and polar, with histidine, which is basic and polar, at codon 389 of the VPS13D protein (p.Arg389His). This variant is present in population databases (rs149554788, gnomAD 0.008%). This variant has not been reported in the literature in individuals affected with VPS13D-related conditions. ClinVar contains an entry for this variant (Variation ID: 2228630). Advanced modeling of protein sequence and biophysical properties (such as structural, functional, and spatial information, amino acid conservation, physicochemical variation, residue mobility, and thermodynamic stability) performed at Invitae indicates that this missense variant is not expected to disrupt VPS13D protein function with a negative predictive value of 80%. In summary, the available evidence is currently insufficient to determine the role of this variant in disease. Therefore, it has been classified as a Variant of Uncertain Significance.

Ambry Genetics
Classification: Uncertain significance for Inborn genetic diseases. Last evaluated: 2021-01-08. Review status: criteria provided, single submitter. Criteria: Ambry Variant Classification Scheme 2023. Collection method: clinical testing. Allele origin: germline.

NM_015378.4(VPS13D):c.1166G>A (p.Arg389His)

Gene: VPS13D (vacuolar protein sorting 13 homolog D; plus strand). Cytogenetic location: 1p36.22.
Variant type: single nucleotide variant.
Coding change: c.1166G>A on transcript NM_015378.4 (MANE Select); coding-DNA position 1166, G replaced by A.
Protein change: p.Arg389His; replaces arginine 389 with histidine.
Molecular consequence: missense variant.
Genome position (GRCh38, 1-based): chr1:12,260,748, G>A. VCF-style: chr1-12260748-G-A. GRCh37 (hg19) VCF-style: chr1-12320805-G-A.
Other names: p.Arg389His; c.1166G>A, p.Arg389His (NM_018156.4); short protein forms R389H.
Identifiers: ClinVar variation 2228630 (VCV002228630.6), dbSNP rs149554788, ClinGen allele CA601445.
Genomic context (GRCh38, chr1:12,260,748, plus strand): 5'-AACAGGAGGAAATGTGTCGGATTGAAGAGGAACAGAGCTTTGAGGAATTGAAGATTTTGC[G>A]TGAACTGGTTCATGATCGATTTCACAAACAGGAAGAACTAGCAGAGGTAAGAAATCCTCT-3'
Protein context (NP_056193.2, residues 379-399): EQSFEELKIL[Arg389His]ELVHDRFHKQ